The following is an entry in ClinVar:

NM_025114.4(CEP290):c.6666A>G (p.Lys2222=)

Gene: CEP290 (centrosomal protein 290; minus strand). Cytogenetic location: 12q21.32.
Variant type: single nucleotide variant.
Coding change: c.6666A>G on transcript NM_025114.4 (MANE Select); coding-DNA position 6666, A replaced by G.
Protein change: p.Lys2222=; no amino-acid change (lysine 2222 retained).
Molecular consequence: synonymous variant.
Genome position (GRCh38, 1-based): chr12:88,059,000, T>C on the plus strand (A>G on the coding strand, the complement: CEP290 is on the minus strand). VCF-style: chr12-88059000-T-C. GRCh37 (hg19) VCF-style: chr12-88452777-T-C.
Identifiers: ClinVar variation 697933 (VCV000697933.15), dbSNP rs544886883, ClinGen allele CA6711448.

ClinVar aggregate classification (germline): Benign. Review status: reviewed by expert panel (3 of 4 stars). 5 submissions from 5 submitters: Benign (1). 4 of the submissions do not count toward it. Last evaluated 2026-07-20.

Conditions:
CEP290-related ciliopathy. Also called: CEP290 ciliopathy. Identifiers: MedGen CN305601, MONDO:0100451.
Retinal dystrophy. Also called: Inherited retinal dystrophy. Identifiers: Orphanet 71862, MedGen C0854723, MeSH D058499, MONDO:0019118, HP:0000556.
CEP290-related disorder. Also called: CEP290-related condition; CEP290-related disorders. Identifiers: MedGen CN239314.
Nephronophthisis. Also called: Juvenile Nephronophthisis. Identifiers: Orphanet 655, MedGen C0687120, MONDO:0019005, HP:0000090.
Joubert syndrome. Also called: Familial aplasia of the vermis; JOUBERT-BOLTSHAUSER SYNDROME. Identifiers: Orphanet 475, MedGen C5979921, MONDO:0018772.
Meckel-Gruber syndrome. Also called: DYSENCEPHALIA SPLANCHNOCYSTICA; GRUBER SYNDROME; Dysencephalia splachnocystica. Identifiers: Orphanet 564, MedGen C0265215, MONDO:0018921.

Allele frequency attached by ClinVar (database versions not stated): gnomAD 0.00001 and 0.00003; gnomAD exomes 0.00001 and 0.00011; TOPMed 0.00001; ExAC 0.00003; 1000 Genomes Project 30x 0.00016; 1000 Genomes Project 0.00020.
gnomAD v4.1: 160 of 1,611,528 alleles (0.0099%); highest among the groups gnomAD compares: East Asian, 0.35%; 3 homozygotes.

Submissions (5):

ClinGen Leber Congenital Amaurosis/early Onset Retinal Dystrophy Variant Curation Expert Panel, ClinGen
Classification: Benign for CEP290-related ciliopathy. Last evaluated: 2026-07-20. Review status: reviewed by expert panel. Criteria: ClinGen LCAeoRD ACMG Specifications CEP290 V1.0.0. Collection method: curation. Allele origin: germline. Inheritance: Autosomal recessive inheritance.
Comment: NM_025114.4(CEP290):c.6666A>G (p.Lys2222=) is a synonymous variant in exon 49. The splicing impact predictor SpliceAI gives a delta score of 0.04 for acceptor gain, which is below the ClinGen LCA / eoRD VCEP recommended threshold of <0.1 and does not predict an impact on splicing (BP4, BP7). This variant is present in gnomAD v4.1.1 at a Grpmax allele frequency of 0.0034, with 159 alleles /44858 total alleles in the East Asian population, which is higher than the ClinGen LCA/eoRD VCEP BS1 threshold of >0.0016 (BS1). This variant has also been found in the homozygous state in 3 adult individuals in gnomAD which exceeds the LCA/eoRD VCEP threshold of ≥ 3 (gnomAD version 4.1.1; BS2_Supporting). In summary, this variant meets the criteria to be classified as Benign for CEP290-related ciliopathy based on the ACMG/AMP criteria applied, as specified by the ClinGen LCA/eoRD VCEP: BP7, BP4, BS1, and BS2_Supporting. (LCA/eoRD VCEP Specifications for CEP290 Version 1.0.0)

Labcorp Genetics (formerly Invitae), Labcorp
Classification: Likely benign for Joubert syndrome; Meckel-Gruber syndrome; Nephronophthisis. Last evaluated: 2026-01-13. Review status: criteria provided, single submitter. Criteria: Invitae Variant Classification Sherloc (09022015). Collection method: clinical testing. Allele origin: germline. Not counted in ClinVar's aggregate classification.

PreventionGenetics, part of Exact Sciences
Classification: Likely benign for CEP290-related condition. Last evaluated: 2025-08-05. Review status: criteria provided, single submitter. Criteria: ACMG Guidelines, 2015. Collection method: clinical testing. Allele origin: germline. Not counted in ClinVar's aggregate classification.
Comment: This variant is classified as likely benign based on ACMG/AMP sequence variant interpretation guidelines (Richards et al. 2015 PMID: 25741868, with internal and published modifications).

Blueprint Genetics
Classification: Likely benign. Last evaluated: 2024-08-06. Review status: criteria provided, single submitter. Criteria: ACMG Guidelines, 2015. Collection method: clinical testing. Allele origin: germline. Not counted in ClinVar's aggregate classification.

Dept Of Ophthalmology, Nagoya University
Classification: Likely benign for Retinal dystrophy. Last evaluated: 2023-10-01. Review status: criteria provided, single submitter. Criteria: Submitter's publication. Collection method: research. Allele origin: germline. Affected: yes. Not counted in ClinVar's aggregate classification.